The following is an entry in ClinVar:

NM_001369369.1(FOXN1):c.340C>T (p.Arg114Ter)

Gene: FOXN1 (forkhead box N1; plus strand). Cytogenetic location: 17q11.2.
Variant type: single nucleotide variant.
Coding change: c.340C>T on transcript NM_001369369.1 (MANE Select); coding-DNA position 340, C replaced by T.
Protein change: p.Arg114Ter; replaces arginine 114 with a stop codon.
Molecular consequence: nonsense.
Genome position (GRCh38, 1-based): chr17:28,524,719, C>T. VCF-style: chr17-28524719-C-T. GRCh37 (hg19) VCF-style: chr17-26851737-C-T.
Other names: NM_001369369.1(FOXN1):c.340C>T; p.Arg114Ter; c.340C>T, p.Arg114Ter (NM_003593.3); short protein forms R114*.
Identifiers: ClinVar variation 2088121 (VCV002088121.7), dbSNP rs1223585973, ClinGen allele CA398321249.

ClinVar aggregate classification (germline): Pathogenic. Review status: reviewed by expert panel (3 of 4 stars). 3 submissions from 3 submitters: Pathogenic (1). 2 of the submissions do not count toward it. Last evaluated 2024-09-27.

Conditions:
Severe combined immunodeficiency disease. Also called: Severe combined immunodeficiency; Severe Combined Immune Deficiency. Identifiers: Orphanet 183660, MedGen C0085110, MeSH D016511, MONDO:0015974, HP:0004430. Inheritance: X-Linked or Autosomal recessive.
T-cell immunodeficiency, congenital alopecia, and nail dystrophy. Also called: Congenital alopecia and nail dystrophy associated with severe functional T-cell immunodeficiency; Pignata Guarino syndrome. Identifiers: Orphanet 169095, MedGen C1866426, MONDO:0011132, OMIM 601705.

Allele frequency attached by ClinVar (database versions not stated): TOPMed below 0.00001; gnomAD exomes 0.00001.

Submissions (3):

ClinGen Severe Combined Immunodeficiency Variant Curation Expert Panel, ClinGen
Classification: Pathogenic for T-cell immunodeficiency, congenital alopecia, and nail dystrophy. Last evaluated: 2024-09-27. Review status: reviewed by expert panel. Criteria: ClinGen SCID ACMG Specifications FOXN1 V1.0.0. Collection method: curation. Allele origin: germline. Inheritance: Semidominant inheritance.
Comment: NM_001369369.1(FOXN1):c.340C>T (p.Arg114Ter) is a nonsense variant predicted to cause a premature stop codon (3/9) and lead to nonsense mediated decay in a disease that is loss of function (PVS1). The variant has been found in at least one homozygous patient with FOXN1 deficiency (PMID: 33464451, PM3_supporting). This patient displayed phenotypes including alopecia, nail dystrophy, absent lymphocyte proliferation to PHA, and very low CD4+CD31+CD45RA+ (PP4). The patient also had received a thymus transplant. The GrpMax in gnomADv4.1 is 0.000002920 (based on 8/1179484 alleles) in the European (non-Finnish) population. This is below the SCID VCEP specified threshold of <0.00002412 (PM2_supporting). In summary this variant meets criteria to be classified as pathogenic for semidominant T-cell immunodeficiency, congenital alopecia, and nail dystrophy due to FOXN1 deficiency based on the ACMG/AMP criteria applied: PVS1, PM2_supporting, PP4, as specified by the ClinGen SCID VCEP.

Labcorp Genetics (formerly Invitae), Labcorp
Classification: Pathogenic for T-cell immunodeficiency, congenital alopecia, and nail dystrophy. Last evaluated: 2025-04-09. Review status: criteria provided, single submitter. Criteria: Invitae Variant Classification Sherloc (09022015). Collection method: clinical testing. Allele origin: germline. Not counted in ClinVar's aggregate classification.
Comment: This sequence change creates a premature translational stop signal (p.Arg114*) in the FOXN1 gene. It is expected to result in an absent or disrupted protein product. Loss-of-function variants in FOXN1 are known to be pathogenic (PMID: 10206641, 15180707, 31447097). This variant is not present in population databases (gnomAD no frequency). This premature translational stop signal has been observed in individual(s) with severe combined immunodeficiency (PMID: 33464451). ClinVar contains an entry for this variant (Variation ID: 2088121). For these reasons, this variant has been classified as Pathogenic.

Women's Health and Genetics/Laboratory Corporation of America, LabCorp
Classification: Pathogenic for Severe combined immunodeficiency disease. Last evaluated: 2025-01-07. Review status: criteria provided, single submitter. Criteria: LabCorp Variant Classification Summary - May 2015. Collection method: clinical testing. Allele origin: germline. Not counted in ClinVar's aggregate classification.
Comment: Variant summary: FOXN1 c.340C>T (p.Arg114X) results in a premature termination codon, predicted to cause a truncation of the encoded protein or absence of the protein due to nonsense mediated decay, which are commonly known mechanisms for disease. The frequency data for this variant in gnomAD is considered unreliable, as metrics indicate poor data quality at this position. c.340C>T has been reported in the literature in individuals affected with Severe Combined Immunodeficiency (e.g. Giardino_2021). To our knowledge, no experimental evidence demonstrating an impact on protein function has been reported. The following publication has been ascertained in the context of this evaluation (PMID: 33464451). ClinVar contains an entry for this variant (Variation ID: 2088121). Based on the evidence outlined above, the variant was classified as pathogenic.

Literature cited by the submitters: PubMed 10206641 (cited by Labcorp Genetics (formerly Invitae), Labcorp); PubMed 15180707 (cited by Labcorp Genetics (formerly Invitae), Labcorp); PubMed 31447097 (cited by Labcorp Genetics (formerly Invitae), Labcorp); PubMed 33464451 (cited by Labcorp Genetics (formerly Invitae), Labcorp and Women's Health and Genetics/Laboratory Corporation of America, LabCorp).